The following is an entry in ClinVar:

ClinVar aggregate classification (germline): Uncertain significance. Review status: criteria provided, multiple submitters, no conflicts (2 of 4 stars). 2 submissions from 2 submitters: Uncertain significance (2). Last evaluated 2026-03-06.

Conditions:
Inborn genetic diseases. Identifiers: MedGen C0950123, MeSH D030342.

Allele frequency attached by ClinVar (database versions not stated): TOPMed 0.00011.
gnomAD v4.1: 14 of 1,567,516 alleles (0.00089%); highest among the groups gnomAD compares: African/African-American, 0.016%; no homozygotes.

Submissions (2):

Ambry Genetics
Classification: Uncertain significance for Inborn genetic diseases. Last evaluated: 2026-03-06. Review status: criteria provided, single submitter. Criteria: Ambry Variant Classification Scheme 2023. Collection method: clinical testing. Allele origin: germline.

Labcorp Genetics (formerly Invitae), Labcorp
Classification: Uncertain significance. Last evaluated: 2022-11-29. Review status: criteria provided, single submitter. Criteria: Invitae Variant Classification Sherloc (09022015). Collection method: clinical testing. Allele origin: germline.
Comment: This sequence change replaces glycine, which is neutral and non-polar, with serine, which is neutral and polar, at codon 232 of the TCF3 protein (p.Gly232Ser). This variant is not present in population databases (gnomAD no frequency). This variant has not been reported in the literature in individuals affected with TCF3-related conditions. ClinVar contains an entry for this variant (Variation ID: 1414308). Advanced modeling of protein sequence and biophysical properties (such as structural, functional, and spatial information, amino acid conservation, physicochemical variation, residue mobility, and thermodynamic stability) performed at Invitae indicates that this missense variant is not expected to disrupt TCF3 protein function. In summary, the available evidence is currently insufficient to determine the role of this variant in disease. Therefore, it has been classified as a Variant of Uncertain Significance.

NM_003200.5(TCF3):c.694G>A (p.Gly232Ser)

Gene: TCF3 (transcription factor 3; minus strand). Cytogenetic location: 19p13.3.
Variant type: single nucleotide variant.
Coding change: c.694G>A on transcript NM_003200.5 (MANE Select); coding-DNA position 694, G replaced by A.
Protein change: p.Gly232Ser; replaces glycine 232 with serine.
Molecular consequence: missense variant.
Genome position (GRCh38, 1-based): chr19:1,622,182, C>T on the plus strand (G>A on the coding strand, the complement: TCF3 is on the minus strand). VCF-style: chr19-1622182-C-T. GRCh37 (hg19) VCF-style: chr19-1622181-C-T.
Other names: c.694G>A, p.Gly232Ser (NM_001136139.4, NM_001351778.2, NM_001351779.2); c.694G>A (NM_003200.3); short protein forms G232S.
Identifiers: ClinVar variation 1414308 (VCV001414308.8), dbSNP rs778016789, ClinGen allele CA9050253.